The following is an entry in ClinVar:

ClinVar aggregate classification (germline): Uncertain significance (0 of 4 stars; one submission).

Conditions:
KSR2-related disorder. Also called: KSR2-related condition.

Submission:

PreventionGenetics, part of Exact Sciences
Classification: Uncertain significance for KSR2-related condition. Last evaluated: 2024-01-17. Review status: no assertion criteria provided. Collection method: clinical testing. Allele origin: germline.
Comment: The KSR2 c.2732A>G variant is predicted to result in the amino acid substitution p.His911Arg. To our knowledge, this variant has not been reported in the literature or in a large population database, indicating this variant is rare. At this time, the clinical significance of this variant is uncertain due to the absence of conclusive functional and genetic evidence.

NM_173598.6(KSR2):c.2819A>G (p.His940Arg)

Gene: KSR2 (kinase suppressor of ras 2; minus strand). Cytogenetic location: 12q24.22.
Variant type: single nucleotide variant.
Coding change: c.2819A>G on transcript NM_173598.6 (MANE Select); coding-DNA position 2819, A replaced by G.
Protein change: p.His940Arg; replaces histidine 940 with arginine.
Molecular consequence: missense variant.
Genome position (GRCh38, 1-based): chr12:117,469,689, T>C on the plus strand (A>G on the coding strand, the complement: KSR2 is on the minus strand). VCF-style: chr12-117469689-T-C. GRCh37 (hg19) VCF-style: chr12-117907494-T-C.
Other names: short protein forms H940R.
Identifiers: ClinVar variation 3349072 (VCV003349072.1).